The following is an entry in ClinVar:

ClinVar aggregate classification (germline): Likely pathogenic. Review status: criteria provided, multiple submitters, no conflicts (2 of 4 stars). 2 submissions from 2 submitters: Likely pathogenic (2). Last evaluated 2024-01-17.

Conditions:
Propionic acidemia (PROP). Also called: GLYCINEMIA, KETOTIC; HYPERGLYCINEMIA WITH KETOACIDOSIS AND LEUKOPENIA; KETOTIC HYPERGLYCINEMIA. Identifiers: Orphanet 35, MedGen C0268579, MONDO:0011628, OMIM 606054, HP:0003571.

Submissions (2):

Baylor Genetics
Classification: Likely pathogenic for Propionic acidemia. Last evaluated: 2024-01-17. Review status: criteria provided, single submitter. Criteria: ACMG Guidelines, 2015. Collection method: clinical testing. Allele origin: unknown.

Labcorp Genetics (formerly Invitae), Labcorp
Classification: Likely pathogenic for Propionic acidemia. Last evaluated: 2023-09-25. Review status: criteria provided, single submitter. Criteria: Invitae Variant Classification Sherloc (09022015). Collection method: clinical testing. Allele origin: germline.
Comment: This sequence change affects a donor splice site in intron 10 of the PCCA gene. It is expected to disrupt RNA splicing. Variants that disrupt the donor or acceptor splice site typically lead to a loss of protein function (PMID: 16199547), and loss-of-function variants in PCCA are known to be pathogenic (PMID: 15464417). This variant is not present in population databases (gnomAD no frequency). Disruption of this splice site has been observed in individual(s) with clinical features of PCCA-related conditions (PMID: 35095998). Algorithms developed to predict the effect of sequence changes on RNA splicing suggest that this variant may disrupt the consensus splice site. In summary, the currently available evidence indicates that the variant is pathogenic, but additional data are needed to prove that conclusively. Therefore, this variant has been classified as Likely Pathogenic.

Literature cited by the submitters: PubMed 16199547 (cited by Labcorp Genetics (formerly Invitae), Labcorp); PubMed 15464417 (cited by Labcorp Genetics (formerly Invitae), Labcorp); PubMed 35095998 (cited by Labcorp Genetics (formerly Invitae), Labcorp).

NM_000282.4(PCCA):c.819+1G>A

Gene: PCCA (propionyl-CoA carboxylase subunit alpha; plus strand). Cytogenetic location: 13q32.3.
Variant type: single nucleotide variant.
Coding change: c.819+1G>A on transcript NM_000282.4 (MANE Select); the canonical splice donor site of the intron after coding-DNA position 819, G replaced by A.
Molecular consequence: splice donor variant.
Genome position (GRCh38, 1-based): chr13:100,262,832, G>A. VCF-style: chr13-100262832-G-A. GRCh37 (hg19) VCF-style: chr13-100915086-G-A.
Other names: c.819+1G>A (NM_001178004.2, NM_001352605.2, NM_001352606.2 and 1 more transcripts); c.-127+1G>A (NM_001352610.2, NM_001352611.2, NM_001352612.2); c.741+1G>A (NM_001127692.3, NM_001352607.2, NM_001352608.2).
Identifiers: ClinVar variation 2825522 (VCV002825522.4), dbSNP rs2062621871, ClinGen allele CA388694434.
Genomic context (GRCh38, chr13:100,262,832, plus strand): 5'-GGCGATGATAGACTACTAATAGAAAAATTTATTGATAATCCTCGTCATATAGAAATCCAG[G>A]TTGGTACATTTAAGATGCTTTTTCATTATTATTTTAAAATAATATCATTTAATCCTATTG-3'